The following is an entry in ClinVar:

NM_001035.3(RYR2):c.2634A>G (p.Leu878=)

Gene: RYR2 (ryanodine receptor 2; plus strand). Cytogenetic location: 1q43.
Variant type: single nucleotide variant.
Coding change: c.2634A>G on transcript NM_001035.3 (MANE Select); coding-DNA position 2634, A replaced by G.
Protein change: p.Leu878=; no amino-acid change (leucine 878 retained).
Molecular consequence: synonymous variant.
Genome position (GRCh38, 1-based): chr1:237,506,730, A>G. VCF-style: chr1-237506730-A-G. GRCh37 (hg19) VCF-style: chr1-237670030-A-G.
Other names: c.2634A>G, p.Leu878= (LRG_402t1).
Identifiers: ClinVar variation 509611 (VCV000509611.1), dbSNP rs1553477084, ClinGen allele CA423816617.
Genomic context (GRCh38, chr1:237,506,730, plus strand): 5'-TTTGTTTCTGATGTGTCTTTTTTCTTTTTGTAAATTTTAGATCGTGTTGCCTCCTCATCT[A>G]GAAAGAATAAGAGAAAAACTGGCAGAGAATATCCATGAACTCTGGGTTATGAATAAAATT-3'
Protein context (NP_001026.2, residues 868-888): DTSQIVLPPH[Leu878=]ERIREKLAEN

ClinVar aggregate classification (germline): Likely benign (1 of 4 stars; one submission).

Allele frequency attached by ClinVar (database versions not stated): TOPMed below 0.00001.

Submission:

GeneDx
Classification: Likely benign. Last evaluated: 2017-05-16. Review status: criteria provided, single submitter. Criteria: GeneDx Variant Classification (06012015). Collection method: clinical testing. Allele origin: germline. Affected: yes.
Comment: This variant is considered likely benign or benign based on one or more of the following criteria: it is a conservative change, it occurs at a poorly conserved position in the protein, it is predicted to be benign by multiple in silico algorithms, and/or has population frequency not consistent with disease.